The following is an entry in ClinVar:

NC_000005.10:g.80787565del

Gene: MSH3 (mutS homolog 3; plus strand). Cytogenetic location: 5q14.1.
Variant type: Deletion.
Genome position: GRCh38 VCF-style: chr5-80787563-AG-A. GRCh37 (hg19) VCF-style: chr5-80083382-AG-A.
Identifiers: ClinVar variation 2029167 (VCV002029167.5), dbSNP rs2546784272, ClinGen allele CA2580073528.

ClinVar aggregate classification (germline): Pathogenic (1 of 4 stars; one submission).

Submission:

Labcorp Genetics (formerly Invitae), Labcorp
Classification: Pathogenic. Last evaluated: 2022-09-06. Review status: criteria provided, single submitter. Criteria: Invitae Variant Classification Sherloc (09022015). Collection method: clinical testing. Allele origin: germline.
Comment: For these reasons, this variant has been classified as Pathogenic. Algorithms developed to predict the effect of sequence changes on RNA splicing suggest that this variant may disrupt the consensus splice site. This variant has not been reported in the literature in individuals affected with MSH3-related conditions. This variant is not present in population databases (gnomAD no frequency). This sequence change creates a premature translational stop signal (p.Lys813Asnfs*16) in the MSH3 gene. It is expected to result in an absent or disrupted protein product. Loss-of-function variants in MSH3 are known to be pathogenic (PMID: 27476653).

Literature cited by the submitters: PubMed 27476653.